The following is an entry in ClinVar:

NM_024675.4(PALB2):c.1631A>G (p.Glu544Gly)

Gene: PALB2 (partner and localizer of BRCA2; minus strand). Cytogenetic location: 16p12.2.
Variant type: single nucleotide variant.
Coding change: c.1631A>G on transcript NM_024675.4 (MANE Select); coding-DNA position 1631, A replaced by G.
Protein change: p.Glu544Gly; replaces glutamic acid 544 with glycine.
Molecular consequence: missense variant.
Genome position (GRCh38, 1-based): chr16:23,634,915, T>C on the plus strand (A>G on the coding strand, the complement: PALB2 is on the minus strand). VCF-style: chr16-23634915-T-C. GRCh37 (hg19) VCF-style: chr16-23646236-T-C.
Other names: short protein forms E544G.
Identifiers: ClinVar variation 575792 (VCV000575792.11), dbSNP rs1567220628, ClinGen allele CA395130256.
Genomic context (GRCh38, chr16:23,634,915, plus strand): 5'-GATTTACCTTTCACTTGAATAAATAATTTTTCGTGCTGATATTTGTGTGAGGTGACTTCT[T>C]CCTTGGACCTGTTAACAATCGACAGGCTAGAAGTTGGCAAAAGTGGTTCACAATGATCTG-3'
Protein context (NP_078951.2, residues 534-554): SSLSIVNRSK[Glu544Gly]EVTSHKYQHE

ClinVar aggregate classification (germline): Uncertain significance. Review status: criteria provided, multiple submitters, no conflicts (2 of 4 stars). 2 submissions from 2 submitters: Uncertain significance (2). Last evaluated 2025-11-13.

Conditions:
Hereditary cancer-predisposing syndrome. Also called: Tumor predisposition; Hereditary neoplastic syndrome; Hereditary Cancer Syndrome; Neoplastic Syndromes, Hereditary. Identifiers: Orphanet 140162, MedGen C0027672, MeSH D009386, MONDO:0015356.
Familial cancer of breast. Also called: hereditary breast carcinoma; BREAST CANCER, FAMILIAL; Hereditary breast cancer. Identifiers: Orphanet 227535, MedGen C0346153, MONDO:0016419, OMIM 114480. Disease mechanism: loss of function.

Submissions (2):

Labcorp Genetics (formerly Invitae), Labcorp
Classification: Uncertain significance for Familial cancer of breast. Last evaluated: 2025-11-13. Review status: criteria provided, single submitter. Criteria: Invitae Variant Classification Sherloc (09022015). Collection method: clinical testing. Allele origin: germline.
Comment: This sequence change replaces glutamic acid, which is acidic and polar, with glycine, which is neutral and non-polar, at codon 544 of the PALB2 protein (p.Glu544Gly). This variant is not present in population databases (gnomAD no frequency). This variant has not been reported in the literature in individuals affected with PALB2-related conditions. ClinVar contains an entry for this variant (Variation ID: 575792). Invitae Evidence Modeling of protein sequence and biophysical properties (such as structural, functional, and spatial information, amino acid conservation, physicochemical variation, residue mobility, and thermodynamic stability) indicates that this missense variant is not expected to disrupt PALB2 protein function with a negative predictive value of 80%. In summary, the available evidence is currently insufficient to determine the role of this variant in disease. Therefore, it has been classified as a Variant of Uncertain Significance.

Ambry Genetics
Classification: Uncertain significance for Hereditary cancer-predisposing syndrome. Last evaluated: 2023-06-08. Review status: criteria provided, single submitter. Criteria: Ambry Variant Classification Scheme 2023. Collection method: clinical testing. Allele origin: germline.
Comment: The p.E544G variant (also known as c.1631A>G), located in coding exon 4 of the PALB2 gene, results from an A to G substitution at nucleotide position 1631. The glutamic acid at codon 544 is replaced by glycine, an amino acid with similar properties. This amino acid position is conserved. In addition, this alteration is predicted to be tolerated by in silico analysis. Since supporting evidence is limited at this time, the clinical significance of this alteration remains unclear.